The following is an entry in ClinVar:

NM_000535.7(PMS2):c.1536C>A (p.Gly512=)

Gene: PMS2 (PMS1 homolog 2, mismatch repair system component; minus strand). Cytogenetic location: 7p22.1.
Variant type: single nucleotide variant.
Coding change: c.1536C>A on transcript NM_000535.7 (MANE Select); coding-DNA position 1536, C replaced by A.
Protein change: p.Gly512=; no amino-acid change (glycine 512 retained).
Molecular consequence: synonymous variant. On other transcripts: non-coding transcript variant (1).
Genome position (GRCh38, 1-based): chr7:5,987,229, G>T on the plus strand (C>A on the coding strand, the complement: PMS2 is on the minus strand). VCF-style: chr7-5987229-G-T. GRCh37 (hg19) VCF-style: chr7-6026860-G-T.
Other names: c.1131C>A, p.Gly377= (NM_001322003.2, NM_001322004.2, NM_001322005.2 and 1 more transcripts); c.1380C>A, p.Gly460= (NM_001322006.2); c.1218C>A, p.Gly406= (NM_001322007.2, NM_001322008.2); c.975C>A, p.Gly325= (NM_001322010.2); c.603C>A, p.Gly201= (NM_001322011.2, NM_001322012.2); c.963C>A, p.Gly321= (NM_001322013.2); c.1536C>A, p.Gly512= (NM_001322014.2); c.1227C>A, p.Gly409= (NM_001322015.2).
Identifiers: ClinVar variation 1151420 (VCV001151420.12), dbSNP rs1057523150, ClinGen allele CA453747542.
Genomic context (GRCh38, chr7:5,987,229, plus strand): 5'-ATGTTCCTGCGAGCCCCTGTCCCCTGGGGAGCTGGCCGCATACTCGCTGCTGCAGTGACT[G>T]CCCGTGTCTGGGATGCTGAACCCCTCAGAATCCACGGAAGTGCTGCCGTGCCCCGAGTCC-3'
Protein context (NP_000526.2, residues 502-522): DSEGFSIPDT[Gly512=]SHCSSEYAAS

ClinVar aggregate classification (germline): Benign/Likely benign. Review status: criteria provided, multiple submitters, no conflicts (2 of 4 stars). 3 submissions from 3 submitters: Benign (1); Likely benign (2). Last evaluated 2025-01-30.

Conditions:
Hereditary nonpolyposis colorectal neoplasms. Identifiers: MedGen C0009405, MeSH D003123.
Lynch syndrome 4 (LYNCH4). Also called: Hereditary non-polyposis colorectal cancer, type 4; Colorectal cancer, hereditary nonpolyposis, type 4. Identifiers: Orphanet 144, MedGen C1838333, MONDO:0013699, OMIM 614337. Disease mechanism: loss of function.
Hereditary cancer-predisposing syndrome. Also called: Tumor predisposition; Neoplastic Syndromes, Hereditary; Hereditary neoplastic syndrome; Hereditary Cancer Syndrome. Identifiers: Orphanet 140162, MedGen C0027672, MeSH D009386, MONDO:0015356.

Submissions (3):

Myriad Genetics, Inc.
Classification: Benign for Lynch syndrome 4. Last evaluated: 2025-01-30. Review status: criteria provided, single submitter. Criteria: Myriad Autosomal Dominant, Autosomal Recessive and X-Linked Classification Criteria (2023). Collection method: clinical testing. Allele origin: unknown.
Comment: This variant is considered benign. This variant is a silent/synonymous amino acid change and it is not expected to impact splicing.

Labcorp Genetics (formerly Invitae), Labcorp
Classification: Likely benign for Hereditary nonpolyposis colorectal neoplasms. Last evaluated: 2022-05-27. Review status: criteria provided, single submitter. Criteria: Invitae Variant Classification Sherloc (09022015). Collection method: clinical testing. Allele origin: germline.

Ambry Genetics
Classification: Likely benign for Hereditary cancer-predisposing syndrome. Last evaluated: 2020-04-25. Review status: criteria provided, single submitter. Criteria: Ambry Variant Classification Scheme 2023. Collection method: clinical testing. Allele origin: germline.